The following is an entry in ClinVar:

NM_016327.3(UPB1):c.884C>T (p.Pro295Leu)

Gene: UPB1 (beta-ureidopropionase 1; plus strand). Cytogenetic location: 22q11.23.
Variant type: single nucleotide variant.
Coding change: c.884C>T on transcript NM_016327.3 (MANE Select); coding-DNA position 884, C replaced by T.
Protein change: p.Pro295Leu; replaces proline 295 with leucine.
Molecular consequence: missense variant.
Genome position (GRCh38, 1-based): chr22:24,521,996, C>T. VCF-style: chr22-24521996-C-T. GRCh37 (hg19) VCF-style: chr22-24917964-C-T.
Other names: c.884C>T (NM_016327.2); short protein forms P295L.
Identifiers: ClinVar variation 1403408 (VCV001403408.7), dbSNP rs146554810, ClinGen allele CA322680763.

ClinVar aggregate classification (germline): Uncertain significance. Review status: criteria provided, multiple submitters, no conflicts (2 of 4 stars). 2 submissions from 2 submitters: Uncertain significance (2). Last evaluated 2025-10-18.

Conditions:
Inborn genetic diseases. Identifiers: MedGen C0950123, MeSH D030342.

Allele frequency attached by ClinVar (database versions not stated): ESP Exome Variant Server 0.00008.
gnomAD v4.1: 25 of 1,614,000 alleles (0.0015%); highest among the groups gnomAD compares: Non-Finnish European, 0.002%; no homozygotes.

Submissions (2):

Ambry Genetics
Classification: Uncertain significance for Inborn genetic diseases. Last evaluated: 2025-10-18. Review status: criteria provided, single submitter. Criteria: Ambry Variant Classification Scheme 2023. Collection method: clinical testing. Allele origin: germline.

Labcorp Genetics (formerly Invitae), Labcorp
Classification: Uncertain significance. Last evaluated: 2024-10-23. Review status: criteria provided, single submitter. Criteria: Invitae Variant Classification Sherloc (09022015). Collection method: clinical testing. Allele origin: germline.
Comment: This sequence change replaces proline, which is neutral and non-polar, with leucine, which is neutral and non-polar, at codon 295 of the UPB1 protein (p.Pro295Leu). This variant is present in population databases (rs146554810, gnomAD 0.006%). This variant has not been reported in the literature in individuals affected with UPB1-related conditions. ClinVar contains an entry for this variant (Variation ID: 1403408). An algorithm developed to predict the effect of missense changes on protein structure and function (PolyPhen-2) suggests that this variant is likely to be tolerated. In summary, the available evidence is currently insufficient to determine the role of this variant in disease. Therefore, it has been classified as a Variant of Uncertain Significance.